The following is an entry in ClinVar:

ClinVar aggregate classification (germline): Uncertain significance (1 of 4 stars; one submission).

Conditions:
Spermatogenic failure 18. Identifiers: MedGen C4539783, MONDO:0054615, OMIM 617576.
Ciliary dyskinesia, primary, 37 (CILD37). Also called: CILIARY DYSKINESIA, PRIMARY, 37, WITH OR WITHOUT SITUS INVERSUS. Identifiers: MedGen C4539798, MONDO:0033204, OMIM 617577.

Allele frequency attached by ClinVar (database versions not stated): ESP Exome Variant Server 0.00017; gnomAD 0.00006; ExAC 0.00014; TOPMed 0.00004.

Submission:

Labcorp Genetics (formerly Invitae), Labcorp
Classification: Uncertain significance for Ciliary dyskinesia, primary, 37; Spermatogenic failure 18. Last evaluated: 2025-07-30. Review status: criteria provided, single submitter. Criteria: Invitae Variant Classification Sherloc (09022015). Collection method: clinical testing. Allele origin: germline.
Comment: This sequence change replaces leucine, which is neutral and non-polar, with phenylalanine, which is neutral and non-polar, at codon 2869 of the DNAH1 protein (p.Leu2869Phe). This variant is present in population databases (rs201678953, gnomAD 0.008%). This variant has not been reported in the literature in individuals affected with DNAH1-related conditions. ClinVar contains an entry for this variant (Variation ID: 2076637). Invitae Evidence Modeling of protein sequence and biophysical properties (such as structural, functional, and spatial information, amino acid conservation, physicochemical variation, residue mobility, and thermodynamic stability) indicates that this missense variant is expected to disrupt DNAH1 protein function with a positive predictive value of 80%. In summary, the available evidence is currently insufficient to determine the role of this variant in disease. Therefore, it has been classified as a Variant of Uncertain Significance.

NM_015512.5(DNAH1):c.8605C>T (p.Leu2869Phe)

Gene: DNAH1 (dynein axonemal heavy chain 1; plus strand). Cytogenetic location: 3p21.1.
Variant type: single nucleotide variant.
Coding change: c.8605C>T on transcript NM_015512.5 (MANE Select); coding-DNA position 8605, C replaced by T.
Protein change: p.Leu2869Phe; replaces leucine 2869 with phenylalanine.
Molecular consequence: missense variant.
Genome position (GRCh38, 1-based): chr3:52,385,427, C>T. VCF-style: chr3-52385427-C-T. GRCh37 (hg19) VCF-style: chr3-52419443-C-T.
Other names: short protein forms L2869F.
Identifiers: ClinVar variation 2076637 (VCV002076637.2), dbSNP rs201678953, ClinGen allele CA2435249.